The following is an entry in ClinVar:

ClinVar aggregate classification (germline): Uncertain significance. Review status: criteria provided, single submitter (1 of 4 stars). 2 submissions from 2 submitters: Uncertain significance (1). 1 of the submissions does not count toward it. Last evaluated 2025-06-25.

Conditions:
Tatton-Brown-Rahman overgrowth syndrome. Also called: Tall stature-intellectual disability-facial dysmorphism syndrome; Tatton-Brown-Rahman syndrome. Identifiers: Orphanet 404443, MedGen C4014545, MONDO:0014382, OMIM 615879.
DNMT3A-related disorder. Also called: DNMT3A-related condition; DNMT3A-related disorders.

Allele frequency attached by ClinVar (database versions not stated): gnomAD exomes 0.00001 and 0.00002; TOPMed 0.00001; gnomAD 0.00002 and 0.00003; ExAC 0.00003; 1000 Genomes Project 30x 0.00016; 1000 Genomes Project 0.00020.
gnomAD v4.1: 22 of 1,613,676 alleles (0.0014%); highest among the groups gnomAD compares: Admixed American, 0.0033%; no homozygotes.

Submissions (2):

Labcorp Genetics (formerly Invitae), Labcorp
Classification: Uncertain significance for Tatton-Brown-Rahman overgrowth syndrome. Last evaluated: 2025-06-25. Review status: criteria provided, single submitter. Criteria: Invitae Variant Classification Sherloc (09022015). Collection method: clinical testing. Allele origin: germline.
Comment: This sequence change falls in intron 9 of the DNMT3A gene. It does not directly change the encoded amino acid sequence of the DNMT3A protein. It affects a nucleotide within the consensus splice site. This variant is present in population databases (rs189798836, gnomAD 0.003%). This variant has not been reported in the literature in individuals affected with DNMT3A-related conditions. ClinVar contains an entry for this variant (Variation ID: 836804). Variants that disrupt the consensus splice site are a relatively common cause of aberrant splicing (PMID: 17576681, 9536098). Algorithms developed to predict the effect of sequence changes on RNA splicing suggest that this variant is not likely to affect RNA splicing. In summary, the available evidence is currently insufficient to determine the role of this variant in disease. Therefore, it has been classified as a Variant of Uncertain Significance.

PreventionGenetics, part of Exact Sciences
Classification: Likely benign for DNMT3A-related condition. Last evaluated: 2022-06-29. Review status: no assertion criteria provided. Collection method: clinical testing. Allele origin: germline. Not counted in ClinVar's aggregate classification.
Comment: This variant is classified as likely benign based on ACMG/AMP sequence variant interpretation guidelines (Richards et al. 2015 PMID: 25741868, with internal and published modifications).

Literature cited by the submitters: PubMed 17576681 (cited by Labcorp Genetics (formerly Invitae), Labcorp); PubMed 9536098 (cited by Labcorp Genetics (formerly Invitae), Labcorp).

NM_022552.5(DNMT3A):c.1122+3G>A

Gene: DNMT3A (DNA methyltransferase 3 alpha; minus strand). Cytogenetic location: 2p23.3.
Variant type: single nucleotide variant.
Coding change: c.1122+3G>A on transcript NM_022552.5 (MANE Select); 3 bases into the intron after coding-DNA position 1122, G replaced by A.
Molecular consequence: intron variant.
Genome position (GRCh38, 1-based): chr2:25,247,048, C>T on the plus strand (G>A on the coding strand, the complement: DNMT3A is on the minus strand). VCF-style: chr2-25247048-C-T. GRCh37 (hg19) VCF-style: chr2-25469917-C-T.
Other names: c.1122+3G>A (NM_175629.2); c.555+3G>A (NM_153759.3); c.666+3G>A (NM_001320893.1); c.453+3G>A (NM_001375819.1).
Identifiers: ClinVar variation 836804 (VCV000836804.10), dbSNP rs189798836, ClinGen allele CA1556156.